The following is an entry in ClinVar:

NM_000268.4(NF2):c.448-2A>G

Gene: NF2 (NF2, moesin-ezrin-radixin like (MERLIN) tumor suppressor; plus strand). Cytogenetic location: 22q12.2.
Variant type: single nucleotide variant.
Coding change: c.448-2A>G on transcript NM_000268.4 (MANE Select); the canonical splice acceptor site of the intron before coding-DNA position 448, A replaced by G.
Molecular consequence: splice acceptor variant. On other transcripts: intron variant (1).
Genome position (GRCh38, 1-based): chr22:29,654,655, A>G. VCF-style: chr22-29654655-A-G. GRCh37 (hg19) VCF-style: chr22-30050644-A-G.
Other names: c.448-2A>G (NM_016418.5, NM_181832.3, NM_001407060.1 and 5 more transcripts); c.334-2A>G (NM_001407056.1, NM_001407053.1); c.217-2A>G (NM_001407067.1); c.-193-2A>G (NM_001407065.1); c.447+12370A>G (NM_181833.3); c.325-2A>G (NM_001407058.1, NM_181829.3, NM_001407054.1 and 1 more transcripts); c.322-2A>G (NM_181828.3, NM_001407055.1); c.199-2A>G (NM_001407063.1, NM_181830.3, NM_001407064.1 and 1 more transcripts).
Identifiers: ClinVar variation 1457743 (VCV001457743.10), dbSNP rs2146966211, ClinGen allele CA16044064.

ClinVar aggregate classification (germline): Pathogenic. Review status: criteria provided, multiple submitters, no conflicts (2 of 4 stars). 3 submissions from 3 submitters: Pathogenic (3). Last evaluated 2026-05-26.

Conditions:
Hereditary cancer-predisposing syndrome. Also called: Tumor predisposition; Neoplastic Syndromes, Hereditary; Hereditary Cancer Syndrome; Hereditary neoplastic syndrome. Identifiers: Orphanet 140162, MedGen C0027672, MeSH D009386, MONDO:0015356.
Neurofibromatosis, type 2 (SWNV). Also called: BILATERAL ACOUSTIC NEUROFIBROMATOSIS; SCHWANNOMATOSIS, VESTIBULAR; NF2-Related Schwannomatosis. Identifiers: Orphanet 637, MedGen C0027832, MONDO:0007039, OMIM 101000. Disease mechanism: loss of function.

Submissions (3):

Ambry Genetics
Classification: Pathogenic for Hereditary cancer-predisposing syndrome. Last evaluated: 2026-05-26. Review status: criteria provided, single submitter. Criteria: Ambry Variant Classification Scheme 2023. Collection method: clinical testing. Allele origin: germline.
Comment: The c.448-2A>G intronic variant results from an A to G substitution two nucleotides upstream from coding exon 5 in the NF2 gene. This nucleotide position is highly conserved in available vertebrate species. This variant was reported in individual(s) with features consistent with NF2-related schwannomatosis; in at least one individual, it was determined to be de novo (Contini E et al. PLoS One, 2015 Jun;10:e0129099; MacCollin M et al. Am J Hum Genet, 1994 Aug;55:314-20; Ambry internal data). Functional studies suggest that this variant leads to an abnormal splicing with activation of a downstream cryptic acceptor site (Ellis JR et al. Genes Chromosomes Cancer, 2011 Aug;50:571-84). In silico splice site analysis predicts that this alteration will weaken the native splice acceptor site and may result in the creation or strengthening of a novel splice acceptor site. Based on the supporting evidence, this variant is interpreted as a disease-causing mutation.

Labcorp Genetics (formerly Invitae), Labcorp
Classification: Pathogenic for Neurofibromatosis, type 2. Last evaluated: 2024-04-10. Review status: criteria provided, single submitter. Criteria: Invitae Variant Classification Sherloc (09022015). Collection method: clinical testing. Allele origin: germline.
Comment: This sequence change affects an acceptor splice site in intron 4 of the NF2 gene. RNA analysis indicates that disruption of this splice site induces altered splicing and may result in an absent or disrupted protein product. This variant is not present in population databases (gnomAD no frequency). Disruption of this splice site has been observed in individuals with neurofibromatosis type 2 (PMID: 7913580, 21563229). ClinVar contains an entry for this variant (Variation ID: 1457743). Studies have shown that disruption of this splice site results in deletion of 20 base pairs from exon 5 and introduces a premature termination codon (PMID: 21563229). The resulting mRNA is expected to undergo nonsense-mediated decay. For these reasons, this variant has been classified as Pathogenic.

Athena Diagnostics
Classification: Pathogenic. Last evaluated: 2021-06-16. Review status: criteria provided, single submitter. Criteria: Athena Diagnostics Criteria. Collection method: clinical testing. Allele origin: unknown.
Comment: This variant is expected to severely impact normal RNA splicing, and consequently, protein structure and/or function. This variant has not been reported in large, multi-ethnic general populations. This variant is also referred to as IVS4-2A>G in published literature. Computational tools and assessment of experimental evidence suggests this variant results in abnormal RNA splicing. Study showed this variant will result in the removal of a section of the protein in some transcripts, however the effect on protein function is unknown (PMID:21563229).

Literature cited by the submitters: PubMed 21563229 (cited by 3 submitters); PubMed 26066488 (cited by Ambry Genetics and Athena Diagnostics); PubMed 7913580 (cited by 3 submitters); PubMed 11085592 (cited by Athena Diagnostics).